The following is an entry in ClinVar:

ClinVar aggregate classification (germline): Conflicting classifications of pathogenicity. Review status: criteria provided, conflicting classifications (1 of 4 stars). 5 submissions from 5 submitters: Uncertain significance (3); Likely benign (1). 1 of the submissions does not count toward it. Last evaluated 2025-06-18.

Conditions:
Inborn genetic diseases. Identifiers: MedGen C0950123, MeSH D030342.
Hereditary spastic paraplegia. Also called: Familial spastic paraparesis. Identifiers: Orphanet 685, MedGen C0037773, MONDO:0019064. Disease mechanism: loss of function.
Hereditary spastic paraplegia 49 (HSAN9). Also called: Spastic paraplegia 49, autosomal recessive; TECPR2-Related Hereditary Sensory and Autonomic Neuropathy with Intellectual Disability; NEUROPATHY, HEREDITARY SENSORY AND AUTONOMIC, TYPE IX, WITH DEVELOPMENTAL DELAY. Identifiers: Orphanet 320385, MedGen C5190860, MONDO:0014016, OMIM 615031.

Allele frequency attached by ClinVar (database versions not stated): TOPMed 0.00005; gnomAD 0.00006; gnomAD exomes 0.00010 and 0.00014; ExAC 0.00018.
gnomAD v4.1: 135 of 1,388,140 alleles (0.0097%); highest among the groups gnomAD compares: Middle Eastern, 0.019%; no homozygotes.

Submissions (5):

Ambry Genetics
Classification: Uncertain significance for Inborn genetic diseases. Last evaluated: 2025-06-18. Review status: criteria provided, single submitter. Criteria: Ambry Variant Classification Scheme 2023. Collection method: clinical testing. Allele origin: germline.

CeGaT Center for Human Genetics Tuebingen
Classification: Likely benign. Last evaluated: 2023-01-01. Review status: criteria provided, single submitter. Criteria: CeGaT Center For Human Genetics Tuebingen Variant Classification Criteria Version 2. Collection method: clinical testing. Allele origin: germline. Affected: yes. Observed: 1 variant allele.
Comment: TECPR2: BP4

Labcorp Genetics (formerly Invitae), Labcorp
Classification: Uncertain significance for Hereditary spastic paraplegia 49. Last evaluated: 2022-10-28. Review status: criteria provided, single submitter. Criteria: Invitae Variant Classification Sherloc (09022015). Collection method: clinical testing. Allele origin: germline.
Comment: This sequence change replaces glutamic acid, which is acidic and polar, with lysine, which is basic and polar, at codon 491 of the TECPR2 protein (p.Glu491Lys). This variant is present in population databases (rs751957510, gnomAD 0.02%). This variant has not been reported in the literature in individuals affected with TECPR2-related conditions. ClinVar contains an entry for this variant (Variation ID: 240923). Algorithms developed to predict the effect of missense changes on protein structure and function are either unavailable or do not agree on the potential impact of this missense change (SIFT: "Tolerated"; PolyPhen-2: "Possibly Damaging"; Align-GVGD: "Class C0"). In summary, the available evidence is currently insufficient to determine the role of this variant in disease. Therefore, it has been classified as a Variant of Uncertain Significance.

Genome Diagnostics Laboratory, The Hospital for Sick Children
Classification: Uncertain significance for Hereditary spastic paraplegia. Last evaluated: 2016-12-12. Review status: criteria provided, single submitter. Criteria: ACMG Guidelines, 2015. Collection method: clinical testing. Allele origin: germline. Affected: yes.

Natera, Inc.
Classification: Uncertain significance for Autosomal recessive spastic paraplegia type 49. Last evaluated: 2020-01-30. Review status: no assertion criteria provided. Collection method: clinical testing. Allele origin: germline. Not counted in ClinVar's aggregate classification.

NM_014844.5(TECPR2):c.1471G>A (p.Glu491Lys)

Gene: TECPR2 (tectonin beta-propeller repeat containing 2; plus strand). Cytogenetic location: 14q32.31.
Variant type: single nucleotide variant.
Coding change: c.1471G>A on transcript NM_014844.5 (MANE Select); coding-DNA position 1471, G replaced by A.
Protein change: p.Glu491Lys; replaces glutamic acid 491 with lysine.
Molecular consequence: missense variant.
Genome position (GRCh38, 1-based): chr14:102,434,288, G>A. VCF-style: chr14-102434288-G-A. GRCh37 (hg19) VCF-style: chr14-102900625-G-A.
Other names: c.1471G>A, p.Glu491Lys (NM_001172631.3); short protein forms E491K.
Identifiers: ClinVar variation 240923 (VCV000240923.36), dbSNP rs751957510, ClinGen allele CA7357740.
Genomic context (GRCh38, chr14:102,434,288, plus strand): 5'-GAATTAGAAGGTGGAAGCAGGAGCACCTGTCACAGCTCCCTGGAATCGACACCCTGCTCC[G>A]AATTTCCTGGGGACAGTCCCCAGTCCTTGAACACAGACTTGCTGTCGATGACCTCAAGTG-3'
Protein context (NP_055659.2, residues 481-501): HSSLESTPCS[Glu491Lys]FPGDSPQSLN